The following is an entry in ClinVar:

NM_030773.4(TUBB1):c.145G>A (p.Val49Met)

Gene: TUBB1 (tubulin beta 1 class VI; plus strand). Cytogenetic location: 20q13.32.
Variant type: single nucleotide variant.
Coding change: c.145G>A on transcript NM_030773.4 (MANE Select); coding-DNA position 145, G replaced by A.
Protein change: p.Val49Met; replaces valine 49 with methionine.
Molecular consequence: missense variant.
Genome position (GRCh38, 1-based): chr20:59,022,932, G>A. VCF-style: chr20-59022932-G-A. GRCh37 (hg19) VCF-style: chr20-57597987-G-A.
Other names: short protein forms V49M.
Identifiers: ClinVar variation 4945504 (VCV004945504.2).

ClinVar aggregate classification (germline): Likely benign. Review status: criteria provided, multiple submitters, no conflicts (2 of 4 stars). 2 submissions from 2 submitters: Likely benign (2). Last evaluated 2025-03-10.

Conditions:
TUBB1-related disorder. Also called: TUBB1-related condition.

gnomAD v4.1: 35 of 1,613,924 alleles (0.0022%); highest among the groups gnomAD compares: East Asian, 0.022%; 1 homozygote.

Submissions (2):

PreventionGenetics, part of Exact Sciences
Classification: Likely benign for TUBB1-related condition. Last evaluated: 2025-03-10. Review status: criteria provided, single submitter. Criteria: ACMG Guidelines, 2015. Collection method: clinical testing. Allele origin: germline.
Comment: This variant is classified as likely benign based on ACMG/AMP sequence variant interpretation guidelines (Richards et al. 2015 PMID: 25741868, with internal and published modifications).

Blueprint Genetics
Classification: Likely benign. Last evaluated: 2024-10-28. Review status: criteria provided, single submitter. Criteria: ACMG Guidelines, 2015. Collection method: clinical testing. Allele origin: germline.